The following is an entry in ClinVar:

ClinVar aggregate classification (germline): Uncertain significance. Review status: criteria provided, single submitter (1 of 4 stars). 2 submissions from 2 submitters: Uncertain significance (1). 1 of the submissions does not count toward it. Last evaluated 2024-10-21.

Conditions:
Mucopolysaccharidosis type 1. Also called: IDUA deficiency; MPS I; Mucopolysaccharidosis Type I. Identifiers: Orphanet 579, MedGen C0023786, MONDO:0001586.

Submissions (2):

Labcorp Genetics (formerly Invitae), Labcorp
Classification: Uncertain significance for Mucopolysaccharidosis type 1. Last evaluated: 2024-10-21. Review status: criteria provided, single submitter. Criteria: Invitae Variant Classification Sherloc (09022015). Collection method: clinical testing. Allele origin: germline.
Comment: This sequence change replaces alanine, which is neutral and non-polar, with valine, which is neutral and non-polar, at codon 422 of the IDUA protein (p.Ala422Val). This variant is not present in population databases (gnomAD no frequency). This variant has not been reported in the literature in individuals affected with IDUA-related conditions. Invitae Evidence Modeling of protein sequence and biophysical properties (such as structural, functional, and spatial information, amino acid conservation, physicochemical variation, residue mobility, and thermodynamic stability) has been performed for this missense variant. However, the output from this modeling did not meet the statistical confidence thresholds required to predict the impact of this variant on IDUA protein function. In summary, the available evidence is currently insufficient to determine the role of this variant in disease. Therefore, it has been classified as a Variant of Uncertain Significance.

Natera, Inc.
Classification: Uncertain significance for Mucopolysaccharidosis type I. Last evaluated: 2025-04-10. Review status: no assertion criteria provided. Collection method: clinical testing. Allele origin: germline. Not counted in ClinVar's aggregate classification.

NM_000203.5(IDUA):c.1265C>T (p.Ala422Val)

Gene: IDUA (alpha-L-iduronidase; plus strand). Cytogenetic location: 4p16.3.
Variant type: single nucleotide variant.
Coding change: c.1265C>T on transcript NM_000203.5 (MANE Select); coding-DNA position 1265, C replaced by T.
Protein change: p.Ala422Val; replaces alanine 422 with valine.
Molecular consequence: missense variant. On other transcripts: non-coding transcript variant (1).
Genome position (GRCh38, 1-based): chr4:1,002,807, C>T. VCF-style: chr4-1002807-C-T. GRCh37 (hg19) VCF-style: chr4-996595-C-T.
Other names: c.869C>T, p.Ala290Val (NM_001363576.1); c.1265C>T (NM_000203.4); short protein forms A422V, A290V.
Identifiers: ClinVar variation 3636985 (VCV003636985.3).